The following is an entry in ClinVar:

ClinVar aggregate classification (germline): Likely benign (1 of 4 stars; one submission).

Conditions:
Maple syrup urine disease (MSUD). Identifiers: Orphanet 511, MedGen C0024776, MeSH D008375, MONDO:0009563. Disease mechanism: loss of function.

Allele frequency attached by ClinVar (database versions not stated): 1000 Genomes Project 30x 0.00031; 1000 Genomes Project 0.00040; gnomAD 0.00048 and 0.00051; TOPMed 0.00059.

Submission:

Illumina Laboratory Services, Illumina
Classification: Likely benign for Maple syrup urine disease type 1A. Last evaluated: 2018-01-13. Review status: criteria provided, single submitter. Criteria: ICSL Variant Classification Criteria 13 December 2019. Collection method: clinical testing. Allele origin: germline.
Comment: This variant was observed in the ICSL laboratory as part of a predisposition screen in an ostensibly healthy population. It had not been previously curated by ICSL or reported in the Human Gene Mutation Database (HGMD: prior to June 1st, 2018), and was therefore a candidate for classification through an automated scoring system. Utilizing variant allele frequency, disease prevalence and penetrance estimates, and inheritance mode, an automated score was calculated to assess if this variant is too frequent to cause the disease. Based on the score and internal cut-off values, a variant classified as likely benign is not then subjected to further curation. The score for this variant resulted in a classification of likely benign for this disease.

NM_001918.5(DBT):c.*7307G>C

Gene: DBT (dihydrolipoamide branched chain transacylase E2; minus strand). Cytogenetic location: 1p21.2.
Variant type: single nucleotide variant.
Coding change: c.*7307G>C on transcript NM_001918.5 (MANE Select); 7307 bases downstream of the stop codon, G replaced by C.
Molecular consequence: 3 prime UTR variant.
Genome position (GRCh38, 1-based): chr1:100,188,948, C>G on the plus strand (G>C on the coding strand, the complement: DBT is on the minus strand). VCF-style: chr1-100188948-C-G. GRCh37 (hg19) VCF-style: chr1-100654504-C-G.
Identifiers: ClinVar variation 291389 (VCV000291389.5), dbSNP rs182980145, ClinGen allele CA10607145.
Genomic context (GRCh38, chr1:100,188,948, plus strand): 5'-GTCTGGCTAGCACAGTAATTTGCTTGTGGTTAAAAGCCTTTGTGCTCAGTACTGAGACTG[C>G]CACATAATGAATTTTCATTTCCATTTTATTCTGAACTTGCAAACATCAGAGATTCGTGCT-3'